The following is an entry in ClinVar:

NM_181507.2(HPS5):c.1447G>T (p.Glu483Ter)

Gene: HPS5 (HPS5 biogenesis of lysosomal organelles complex 2 subunit 2; minus strand). Cytogenetic location: 11p15.1.
Variant type: single nucleotide variant.
Coding change: c.1447G>T on transcript NM_181507.2 (MANE Select); coding-DNA position 1447, G replaced by T.
Protein change: p.Glu483Ter; replaces glutamic acid 483 with a stop codon.
Molecular consequence: nonsense.
Genome position (GRCh38, 1-based): chr11:18,296,861, C>A on the plus strand (G>T on the coding strand, the complement: HPS5 is on the minus strand). VCF-style: chr11-18296861-C-A. GRCh37 (hg19) VCF-style: chr11-18318408-C-A.
Other names: c.1105G>T, p.Glu369Ter (NM_007216.4, NM_181508.2); short protein forms E483*, E369*.
Identifiers: ClinVar variation 2014688 (VCV002014688.4), dbSNP rs2494736729, ClinGen allele CA379495423.

ClinVar aggregate classification (germline): Pathogenic (1 of 4 stars; one submission).

gnomAD v4.1: 1 of 1,614,062 alleles (0.000062%); highest among the groups gnomAD compares: Non-Finnish European, 0.000085%; no homozygotes.

Submission:

Labcorp Genetics (formerly Invitae), Labcorp
Classification: Pathogenic. Last evaluated: 2022-07-06. Review status: criteria provided, single submitter. Criteria: Invitae Variant Classification Sherloc (09022015). Collection method: clinical testing. Allele origin: germline.
Comment: This variant is not present in population databases (gnomAD no frequency). This sequence change creates a premature translational stop signal (p.Glu483*) in the HPS5 gene. It is expected to result in an absent or disrupted protein product. Loss-of-function variants in HPS5 are known to be pathogenic (PMID: 12548288, 15296495, 21833017, 26785811). This variant has not been reported in the literature in individuals affected with HPS5-related conditions. For these reasons, this variant has been classified as Pathogenic.

Literature cited by the submitters: PubMed 12548288; PubMed 15296495; PubMed 21833017; PubMed 26785811.